The following is an entry in ClinVar:

ClinVar aggregate classification (germline): Uncertain significance. Review status: criteria provided, multiple submitters, no conflicts (2 of 4 stars). 2 submissions from 2 submitters: Uncertain significance (2). Last evaluated 2024-11-12.

Conditions:
Inborn genetic diseases. Identifiers: MedGen C0950123, MeSH D030342.

gnomAD v4.1: 18 of 1,613,720 alleles (0.0011%); highest among the groups gnomAD compares: African/African-American, 0.017%; no homozygotes.

Submissions (2):

Labcorp Genetics (formerly Invitae), Labcorp
Classification: Uncertain significance. Last evaluated: 2024-11-12. Review status: criteria provided, single submitter. Criteria: Invitae Variant Classification Sherloc (09022015). Collection method: clinical testing. Allele origin: germline.
Comment: This sequence change replaces leucine, which is neutral and non-polar, with phenylalanine, which is neutral and non-polar, at codon 919 of the DNA2 protein (p.Leu919Phe). This variant is present in population databases (rs373870711, gnomAD 0.01%). This variant has not been reported in the literature in individuals affected with DNA2-related conditions. Invitae Evidence Modeling of protein sequence and biophysical properties (such as structural, functional, and spatial information, amino acid conservation, physicochemical variation, residue mobility, and thermodynamic stability) indicates that this missense variant is expected to disrupt DNA2 protein function with a positive predictive value of 80%. In summary, the available evidence is currently insufficient to determine the role of this variant in disease. Therefore, it has been classified as a Variant of Uncertain Significance.

Ambry Genetics
Classification: Uncertain significance for Inborn genetic diseases. Last evaluated: 2024-05-02. Review status: criteria provided, single submitter. Criteria: Ambry Variant Classification Scheme 2023. Collection method: clinical testing. Allele origin: germline.

NM_001080449.3(DNA2):c.2755C>T (p.Leu919Phe)

Gene: DNA2 (DNA replication helicase/nuclease 2; minus strand). Cytogenetic location: 10q21.3.
Variant type: single nucleotide variant.
Coding change: c.2755C>T on transcript NM_001080449.3 (MANE Select); coding-DNA position 2755, C replaced by T.
Protein change: p.Leu919Phe; replaces leucine 919 with phenylalanine.
Molecular consequence: missense variant. On other transcripts: non-coding transcript variant (1).
Genome position (GRCh38, 1-based): chr10:68,419,835, G>A on the plus strand (C>T on the coding strand, the complement: DNA2 is on the minus strand). VCF-style: chr10-68419835-G-A. GRCh37 (hg19) VCF-style: chr10-70179592-G-A.
Other names: short protein forms L919F.
Identifiers: ClinVar variation 3272495 (VCV003272495.3).
Genomic context (GRCh38, chr10:68,419,835, plus strand): 5'-TTTGCTAGCCTTGAAAATTCTAAATTACCTTAACAAAAATGGAGGTTAGGAAAACTATGA[G>A]TTTGGCTTCTGTTACATTGCTCACACCACCTTTTTCAACTTGTTCTGGCGCTGGAACCTA-3'
Protein context (NP_001073918.2, residues 909-929): GGVSNVTEAK[Leu919Phe]IVFLTSIFVK